The following is an entry in ClinVar:

NM_201253.3(CRB1):c.1109CTT[2] (p.Ser372del)

Gene: CRB1 (crumbs cell polarity complex component 1; plus strand). Cytogenetic location: 1q31.3.
Variant type: Microsatellite.
Coding change: c.1109CTT[2] on transcript NM_201253.3 (MANE Select); two copies in a row of the 3-base unit CTT starting at c.1109; the reference has three copies in a row; one copy, 3 bases deleted.
Protein change: p.Ser372del; deletes serine 372.
Molecular consequence: inframe deletion. On other transcripts: non-coding transcript variant (2).
Genome position (GRCh38, 1-based): chr1:197,356,957-197,356,959, CTT deleted; deleting any 3 consecutive bases within chr1:197,356,951-197,356,959 gives the same sequence; the position shown is the placement nearest the transcript's 3' end. VCF-style (leftmost placement, unchanged base first): chr1-197356950-CCTT-C. GRCh37 (hg19) VCF-style: chr1-197326080-CCTT-C.
Other names: c.773CTT[2], p.Ser260del (NM_001193640.2); c.902CTT[2], p.Ser303del (NM_001257965.2); c.1109CTT[2], p.Ser372del (NM_001257966.2); c.1115_1117delCTT (NM_201253.2); short protein forms S372del, S260del, S303del.
Identifiers: ClinVar variation 2066656 (VCV002066656.3), dbSNP rs1472088998, ClinGen allele CA528537445.

ClinVar aggregate classification (germline): Uncertain significance. Review status: criteria provided, multiple submitters, no conflicts (2 of 4 stars). 3 submissions from 3 submitters: Uncertain significance (3). Last evaluated 2024-11-15.

Conditions:
Retinitis pigmentosa 12 (RP12). Also called: RP WITH OR WITHOUT PRESERVED PARAARTERIOLE RETINAL PIGMENT EPITHELIUM; RETINITIS PIGMENTOSA WITH OR WITHOUT PARAARTERIOLAR PRESERVATION OF RETINAL PIGMENT EPITHELIUM; RP WITH OR WITHOUT PPRPE. Identifiers: Orphanet 791, MedGen C1838647, MONDO:0010818, OMIM 600105.
Leber congenital amaurosis 8 (LCA8). Identifiers: Orphanet 65, MedGen C3151202, MONDO:0013453, OMIM 613835.
CRB1-related disorder. Also called: CRB1-related disorders; CRB1-related condition.

Submissions (3):

PreventionGenetics, part of Exact Sciences
Classification: Uncertain significance for CRB1-related condition. Last evaluated: 2024-11-15. Review status: criteria provided, single submitter. Criteria: ACMG Guidelines, 2015. Collection method: clinical testing. Allele origin: germline.
Comment: The CRB1 c.1115_1117delCTT variant is predicted to result in an in-frame deletion (p.Ser372del). To our knowledge, this variant has not been reported in the literature. This variant is reported in 0.022% of alleles in individuals of East Asian descent in gnomAD. At this time, the clinical significance of this variant is uncertain due to the absence of conclusive functional and genetic evidence.

Labcorp Genetics (formerly Invitae), Labcorp
Classification: Uncertain significance for Leber congenital amaurosis 8; Retinitis pigmentosa 12. Last evaluated: 2022-06-13. Review status: criteria provided, single submitter. Criteria: Invitae Variant Classification Sherloc (09022015). Collection method: clinical testing. Allele origin: germline.
Comment: This variant, c.1115_1117del, results in the deletion of 1 amino acid(s) of the CRB1 protein (p.Ser372del), but otherwise preserves the integrity of the reading frame. This variant is present in population databases (no rsID available, gnomAD 0.02%). This variant has not been reported in the literature in individuals affected with CRB1-related conditions. In summary, the available evidence is currently insufficient to determine the role of this variant in disease. Therefore, it has been classified as a Variant of Uncertain Significance.

Blueprint Genetics
Classification: Uncertain significance. Last evaluated: 2021-12-02. Review status: criteria provided, single submitter. Criteria: ACMG Guidelines, 2015. Collection method: clinical testing. Allele origin: germline.